The following is an entry in ClinVar:

NM_032578.4(MYPN):c.2775_2776insA (p.Asp926fs)

Gene: MYPN (myopalladin; plus strand). Cytogenetic location: 10q21.3.
Variant type: Insertion.
Coding change: c.2775_2776insA on transcript NM_032578.4 (MANE Select); coding-DNA positions 2775 to 2776, A inserted.
Protein change: p.Asp926fs; shifts the reading frame from aspartic acid 926.
Molecular consequence: frameshift variant. On other transcripts: non-coding transcript variant (2).
Genome position: GRCh38 VCF-style: chr10-68188976-T-TA. GRCh37 (hg19) VCF-style: chr10-69948733-T-TA.
Other names: c.2775_2776insA, p.Asp926fs (NM_001256267.2); c.1893_1894insA, p.Asp632fs (NM_001256268.2); short protein forms D632fs, D926fs.
Identifiers: ClinVar variation 3775103 (VCV003775103.1).

ClinVar aggregate classification (germline): Likely pathogenic (1 of 4 stars; one submission).

Conditions:
Dilated cardiomyopathy 1KK (CMD1KK). Identifiers: Orphanet 154, Orphanet 75249, MedGen C3714995, MONDO:0014100, OMIM 615248.

Submission:

Center for Precision Genome Editing and Genetic Technologies for Biomedicine, Pirogov Russian National Research Medical University
Classification: Likely pathogenic for Dilated cardiomyopathy 1KK. Last evaluated: 2024-09-04. Review status: criteria provided, single submitter. Criteria: ACMG Guidelines, 2015. Collection method: clinical testing. Allele origin: unknown. Inheritance: Autosomal dominant inheritance. Affected: yes. Observed: 1 heterozygote.
Comment: MYPN(NM_001256267.2):c.2775_2776insA, (p.Asp926ArgfsTer2). This is a frameshift variant that introduces a premature stop codon, likely resulting in a truncated or absent protein product (PVS1). This variant has not been reported in control samples or in patients with dilated cardiomyopathy, 1KK (OMIM: 615248), meeting the PM2 criterion. Based on the applied ACMG/AMP criteria (PVS1, PM2), this variant is classified as likely pathogenic for dilated cardiomyopathy, 1KK.